The following is an entry in ClinVar:

NM_000245.4(MET):c.3929A>T (p.Asp1310Val)

Gene: MET (MET proto-oncogene, receptor tyrosine kinase; plus strand). Cytogenetic location: 7q31.2.
Variant type: single nucleotide variant.
Coding change: c.3929A>T on transcript NM_000245.4 (MANE Select); coding-DNA position 3929, A replaced by T.
Protein change: p.Asp1310Val; replaces aspartic acid 1310 with valine.
Molecular consequence: missense variant.
Genome position (GRCh38, 1-based): chr7:116,795,785, A>T. VCF-style: chr7-116795785-A-T. GRCh37 (hg19) VCF-style: chr7-116435839-A-T.
Other names: c.3983A>T, p.Asp1328Val (NM_001127500.3); c.2639A>T, p.Asp880Val (NM_001324402.2); short protein forms D880V, D1310V, D1328V.
Identifiers: ClinVar variation 1045629 (VCV001045629.8), dbSNP rs1390590380, ClinGen allele CA369118012.

ClinVar aggregate classification (germline): Uncertain significance (1 of 4 stars; one submission).

Conditions:
Renal cell carcinoma. Identifiers: Orphanet 217071, MedGen C0007134, MeSH D002292, MONDO:0005086, HP:0005584.

Submission:

Labcorp Genetics (formerly Invitae), Labcorp
Classification: Uncertain significance for Renal cell carcinoma. Last evaluated: 2020-04-27. Review status: criteria provided, single submitter. Criteria: Invitae Variant Classification Sherloc (09022015). Collection method: clinical testing. Allele origin: germline.
Comment: In summary, the available evidence is currently insufficient to determine the role of this variant in disease. Therefore, it has been classified as a Variant of Uncertain Significance. Algorithms developed to predict the effect of missense changes on protein structure and function (SIFT, PolyPhen-2, Align-GVGD) all suggest that this variant is likely to be disruptive, but these predictions have not been confirmed by published functional studies and their clinical significance is uncertain. This variant has not been reported in the literature in individuals with MET-related conditions. This variant is not present in population databases (ExAC no frequency). This sequence change replaces aspartic acid with valine at codon 1328 of the MET protein (p.Asp1328Val). The aspartic acid residue is highly conserved and there is a large physicochemical difference between aspartic acid and valine.